The following is an entry in ClinVar:

NM_020693.4(DSCAML1):c.3681C>G (p.Phe1227Leu)

Gene: DSCAML1 (DS cell adhesion molecule like 1; minus strand). Cytogenetic location: 11q23.3.
Variant type: single nucleotide variant.
Coding change: c.3681C>G on transcript NM_020693.4 (MANE Select); coding-DNA position 3681, C replaced by G.
Protein change: p.Phe1227Leu; replaces phenylalanine 1227 with leucine.
Molecular consequence: missense variant.
Genome position (GRCh38, 1-based): chr11:117,450,576, G>C on the plus strand (C>G on the coding strand, the complement: DSCAML1 is on the minus strand). VCF-style: chr11-117450576-G-C. GRCh37 (hg19) VCF-style: chr11-117321292-G-C.
Other names: c.3861C>G (NM_020693.3, NM_020693.2); short protein forms F1227L.
Identifiers: ClinVar variation 1524466 (VCV001524466.8), dbSNP rs142489934, ClinGen allele CA6296628.

ClinVar aggregate classification (germline): Uncertain significance. Review status: criteria provided, multiple submitters, no conflicts (2 of 4 stars). 3 submissions from 3 submitters: Uncertain significance (2). 1 of the submissions does not count toward it. Last evaluated 2025-12-24.

Conditions:
DSCAML1-related disorder. Also called: DSCAML1-related condition.

Allele frequency attached by ClinVar (database versions not stated): gnomAD exomes 0.00003; ExAC 0.00004; ESP Exome Variant Server 0.00008; 1000 Genomes Project 30x 0.00016; 1000 Genomes Project 0.00020; gnomAD 0.00025 and 0.00026; TOPMed 0.00027.
gnomAD v4.1: 79 of 1,614,200 alleles (0.0049%); highest among the groups gnomAD compares: African/African-American, 0.099%; no homozygotes.

Submissions (3):

Labcorp Genetics (formerly Invitae), Labcorp
Classification: Uncertain significance. Last evaluated: 2025-12-24. Review status: criteria provided, single submitter. Criteria: Invitae Variant Classification Sherloc (09022015). Collection method: clinical testing. Allele origin: germline.
Comment: This sequence change replaces phenylalanine, which is neutral and non-polar, with leucine, which is neutral and non-polar, at codon 1287 of the DSCAML1 protein (p.Phe1287Leu). This variant is present in population databases (rs142489934, gnomAD 0.06%), and has an allele count higher than expected for a pathogenic variant. This variant has not been reported in the literature in individuals affected with DSCAML1-related conditions. ClinVar contains an entry for this variant (Variation ID: 1524466). An algorithm developed to predict the effect of missense changes on protein structure and function (PolyPhen-2) suggests that this variant is likely to be tolerated. In summary, the available evidence is currently insufficient to determine the role of this variant in disease. Therefore, it has been classified as a Variant of Uncertain Significance.

Ambry Genetics
Classification: Uncertain significance. Last evaluated: 2025-01-01. Review status: criteria provided, single submitter. Criteria: Ambry Variant Classification Scheme 2023. Collection method: clinical testing. Allele origin: germline.

PreventionGenetics, part of Exact Sciences
Classification: Uncertain significance for DSCAML1-related condition. Last evaluated: 2024-08-20. Review status: no assertion criteria provided. Collection method: clinical testing. Allele origin: germline. Not counted in ClinVar's aggregate classification.
Comment: The DSCAML1 c.3861C>G variant is predicted to result in the amino acid substitution p.Phe1287Leu. To our knowledge, this variant has not been reported in the literature. This variant is reported in 0.060% of alleles in individuals of African descent in gnomAD, which may be too common to be an unreported cause of disease. Although we suspect that this variant may be benign, at this time, the clinical significance of this variant is uncertain due to the absence of conclusive functional and genetic evidence.